The following is an entry in ClinVar:

ClinVar aggregate classification (germline): Conflicting classifications of pathogenicity. Review status: criteria provided, conflicting classifications (1 of 4 stars). 4 submissions from 4 submitters: Uncertain significance (3); Likely benign (1). Last evaluated 2025-11-22.

Conditions:
Cardiovascular phenotype. Identifiers: MedGen CN230736.
Arrhythmogenic cardiomyopathy with wooly hair and keratoderma. Also called: Dilated cardiomyopathy with woolly hair and keratoderma; PALMOPLANTAR KERATODERMA WITH LEFT VENTRICULAR CARDIOMYOPATHY AND WOOLLY HAIR; Arrhythmogenic cardiomyopathy with woolly hair and keratoderma; Carvajal syndrome. Identifiers: Orphanet 65282, MedGen C1854063, MONDO:0011581, OMIM 605676.
Arrhythmogenic right ventricular dysplasia 8 (ARVD8). Also called: Arrhythmogenic Right Ventricular Dysplasia/Cardiomyopathy 8; ARRHYTHMOGENIC RIGHT VENTRICULAR DYSPLASIA, FAMILIAL, 8; ARRHYTHMOGENIC RIGHT VENTRICULAR CARDIOMYOPATHY 8. Identifiers: MedGen C1843896, MONDO:0011831, OMIM 607450.
Cardiomyopathy (CMYO). Also called: Cardiomyopathies. Identifiers: Orphanet 167848, MedGen C0878544, MONDO:0004994, HP:0001638. Inheritance: Various modes of inheritance.

Allele frequency attached by ClinVar (database versions not stated): gnomAD 0.00001; TOPMed 0.00001; gnomAD exomes 0.00002.
gnomAD v4.1: 12 of 1,614,004 alleles (0.00074%); highest among the groups gnomAD compares: East Asian, 0.0089%; no homozygotes.

Submissions (4):

Labcorp Genetics (formerly Invitae), Labcorp
Classification: Likely benign for Arrhythmogenic cardiomyopathy with wooly hair and keratoderma; Arrhythmogenic right ventricular dysplasia 8. Last evaluated: 2025-11-22. Review status: criteria provided, single submitter. Criteria: Invitae Variant Classification Sherloc (09022015). Collection method: clinical testing. Allele origin: germline.

Ambry Genetics
Classification: Uncertain significance for Cardiovascular phenotype. Last evaluated: 2025-10-11. Review status: criteria provided, single submitter. Criteria: Ambry Variant Classification Scheme 2023. Collection method: clinical testing. Allele origin: germline.
Comment: The p.T2646M variant (also known as c.7937C>T), located in coding exon 24 of the DSP gene, results from a C to T substitution at nucleotide position 7937. The threonine at codon 2646 is replaced by methionine, an amino acid with similar properties. This amino acid position is conserved. In addition, this alteration is predicted to be deleterious by in silico analysis. Based on the available evidence, the clinical significance of this variant remains unclear.

GeneDx
Classification: Uncertain significance. Last evaluated: 2025-06-18. Review status: criteria provided, single submitter. Criteria: GeneDx Variant Classification Process June 2021. Collection method: clinical testing. Allele origin: germline. Affected: yes.
Comment: Not observed at significant frequency in large population cohorts (gnomAD); In silico analysis supports that this missense variant has a deleterious effect on protein structure/function; Has not been previously published as pathogenic or benign to our knowledge

Color Diagnostics, LLC DBA Color Health
Classification: Uncertain significance for Cardiomyopathy. Last evaluated: 2023-11-08. Review status: criteria provided, single submitter. Criteria: ACMG Guidelines, 2015. Collection method: clinical testing. Allele origin: germline.
Comment: This missense variant replaces threonine with methionine at codon 2646 of the DSP protein. Computational prediction suggests that this variant may have deleterious impact on protein structure and function (internally defined REVEL score threshold >= 0.7, PMID: 27666373). To our knowledge, functional studies have not been reported for this variant. This variant has not been reported in individuals affected with DSP-related disorders in the literature. This variant has been identified in 4/250984 chromosomes in the general population by the Genome Aggregation Database (gnomAD). The available evidence is insufficient to determine the role of this variant in disease conclusively. Therefore, this variant is classified as a Variant of Uncertain Significance.

NM_004415.4(DSP):c.7937C>T (p.Thr2646Met)

Gene: DSP (desmoplakin; plus strand). Cytogenetic location: 6p24.3.
Variant type: single nucleotide variant.
Coding change: c.7937C>T on transcript NM_004415.4 (MANE Select); coding-DNA position 7937, C replaced by T.
Protein change: p.Thr2646Met; replaces threonine 2646 with methionine.
Molecular consequence: missense variant.
Genome position (GRCh38, 1-based): chr6:7,585,199, C>T. VCF-style: chr6-7585199-C-T. GRCh37 (hg19) VCF-style: chr6-7585432-C-T.
Other names: c.7937C>T (LRG_423t1); c.6140C>T, p.Thr2047Met (NM_001008844.3); c.6608C>T, p.Thr2203Met (NM_001319034.2); short protein forms T2047M, T2203M, T2646M.
Identifiers: ClinVar variation 659905 (VCV000659905.11), dbSNP rs1425701789, ClinGen allele CA362694102.